The following is an entry in ClinVar:

NM_001267550.2(TTN):c.21981G>T (p.Thr7327=)

Gene: TTN (titin; minus strand). Cytogenetic location: 2q31.2.
Variant type: single nucleotide variant.
Coding change: c.21981G>T on transcript NM_001267550.2 (MANE Select); coding-DNA position 21981, G replaced by T.
Protein change: p.Thr7327=; no amino-acid change (threonine 7327 retained).
Molecular consequence: synonymous variant. On other transcripts: intron variant (3).
Genome position (GRCh38, 1-based): chr2:178,722,918, C>A on the plus strand (G>T on the coding strand, the complement: TTN is on the minus strand). VCF-style: chr2-178722918-C-A. GRCh37 (hg19) VCF-style: chr2-179587645-C-A.
Other names: c.21030G>T, p.Thr7010= (NM_001256850.1); c.18249G>T, p.Thr6083= (NM_133378.4); c.13282+15164G>T (NM_003319.4); c.13858+15164G>T (NM_133437.4); c.13657+15164G>T (NM_133432.3).
Identifiers: ClinVar variation 390836 (VCV000390836.14), dbSNP rs775230627, ClinGen allele CA16604212.

ClinVar aggregate classification (germline): Conflicting classifications of pathogenicity. Review status: criteria provided, conflicting classifications (1 of 4 stars). 8 submissions from 4 submitters: Uncertain significance (5); Likely benign (3). Last evaluated 2026-06-22.

Conditions:
TTN-related disorder. Also called: TTN-related disorders; TTN-related condition; TTN-related disease.
Autosomal recessive limb-girdle muscular dystrophy type 2J (LGMDR10). Also called: Limb-girdle muscular dystrophy, type 2J; MUSCULAR DYSTROPHY, LIMB-GIRDLE, AUTOSOMAL RECESSIVE 10. Identifiers: Orphanet 140922, MedGen C1837342, MONDO:0012127, OMIM 608807.
Dilated cardiomyopathy 1G (CMD1G). Identifiers: Orphanet 154, MedGen C1858763, MONDO:0011400, OMIM 604145.
Early-onset myopathy with fatal cardiomyopathy (CMYO5). Also called: Salih Myopathy; CONGENITAL MYOPATHY 5 WITH CARDIOMYOPATHY. Identifiers: Orphanet 289377, MedGen C2673677, MONDO:0012714, OMIM 611705. Disease mechanism: loss of function.
Tibial muscular dystrophy (TMD). Also called: UDD MYOPATHY; Tibial muscular dystrophy, tardive; Udd Distal Myopathy – Tibial Muscular Dystrophy. Identifiers: Orphanet 609, MedGen C1838244, MONDO:0010870, OMIM 600334.
Myopathy, myofibrillar, 9, with early respiratory failure (MFM9). Also called: Hereditary myopathy with early respiratory failure; MYOPATHY, PROXIMAL, WITH EARLY RESPIRATORY MUSCLE INVOLVEMENT; EDSTROM MYOPATHY; Myopathy, distal, with early respiratory failure, autosomal dominant. Identifiers: Orphanet 178464, Orphanet 34521, MedGen C1863599, MONDO:0011362, OMIM 603689.

Allele frequency attached by ClinVar (database versions not stated): gnomAD 0.00001.
gnomAD v4.1: 16 of 1,611,064 alleles (0.00099%); highest among the groups gnomAD compares: Non-Finnish European, 0.0014%; no homozygotes.

Submissions (8):

PreventionGenetics, part of Exact Sciences
Classification: Likely benign for TTN-related condition. Last evaluated: 2026-06-22. Review status: criteria provided, single submitter. Criteria: ACMG Guidelines, 2015. Collection method: clinical testing. Allele origin: germline.
Comment: This variant is classified as likely benign based on ACMG/AMP sequence variant interpretation guidelines (Richards et al. 2015 PMID: 25741868, with internal and published modifications).

Labcorp Genetics (formerly Invitae), Labcorp
Classification: Likely benign for Dilated cardiomyopathy 1G; Autosomal recessive limb-girdle muscular dystrophy type 2J. Last evaluated: 2025-12-19. Review status: criteria provided, single submitter. Criteria: Invitae Variant Classification Sherloc (09022015). Collection method: clinical testing. Allele origin: germline.

Illumina Laboratory Services, Illumina
Classification: Uncertain significance for Myopathy, myofibrillar, 9, with early respiratory failure. Last evaluated: 2018-01-13. Review status: criteria provided, single submitter. Criteria: ICSL Variant Classification Criteria 13 December 2019. Collection method: clinical testing. Allele origin: germline.

Illumina Laboratory Services, Illumina
Classification: Uncertain significance for Tibial muscular dystrophy. Last evaluated: 2018-01-13. Review status: criteria provided, single submitter. Criteria: ICSL Variant Classification Criteria 13 December 2019. Collection method: clinical testing. Allele origin: germline.

Illumina Laboratory Services, Illumina
Classification: Uncertain significance for Autosomal recessive limb-girdle muscular dystrophy type 2J. Last evaluated: 2018-01-13. Review status: criteria provided, single submitter. Criteria: ICSL Variant Classification Criteria 13 December 2019. Collection method: clinical testing. Allele origin: germline.

Illumina Laboratory Services, Illumina
Classification: Uncertain significance for Early-onset myopathy with fatal cardiomyopathy. Last evaluated: 2018-01-13. Review status: criteria provided, single submitter. Criteria: ICSL Variant Classification Criteria 13 December 2019. Collection method: clinical testing. Allele origin: germline.

Illumina Laboratory Services, Illumina
Classification: Uncertain significance for Dilated cardiomyopathy 1G. Last evaluated: 2018-01-13. Review status: criteria provided, single submitter. Criteria: ICSL Variant Classification Criteria 13 December 2019. Collection method: clinical testing. Allele origin: germline.

GeneDx
Classification: Likely benign. Last evaluated: 2016-11-15. Review status: criteria provided, single submitter. Criteria: GeneDx Variant Classification (06012015). Collection method: clinical testing. Allele origin: germline. Affected: yes.
Comment: This variant is considered likely benign or benign based on one or more of the following criteria: it is a conservative change, it occurs at a poorly conserved position in the protein, it is predicted to be benign by multiple in silico algorithms, and/or has population frequency not consistent with disease.